The following is an entry in ClinVar:

ClinVar aggregate classification (germline): Likely pathogenic (1 of 4 stars; one submission).

Submission:

Labcorp Genetics (formerly Invitae), Labcorp
Classification: Likely pathogenic. Last evaluated: 2025-02-26. Review status: criteria provided, single submitter. Criteria: Invitae Variant Classification Sherloc (09022015). Collection method: clinical testing. Allele origin: germline.
Comment: This sequence change affects an acceptor splice site in intron 7 of the COL4A5 gene. It is expected to disrupt RNA splicing. Variants that disrupt the donor or acceptor splice site typically lead to a loss of protein function (PMID: 16199547), and loss-of-function variants in COL4A5 are known to be pathogenic (PMID: 9195222, 10752524, 14514738, 24854265, 26809805). This variant is not present in population databases (gnomAD no frequency). This variant has not been reported in the literature in individuals affected with COL4A5-related conditions. Algorithms developed to predict the effect of sequence changes on RNA splicing suggest that this variant may disrupt the consensus splice site. In summary, the currently available evidence indicates that the variant is pathogenic, but additional data are needed to prove that conclusively. Therefore, this variant has been classified as Likely Pathogenic.

Literature cited by the submitters: PubMed 16199547; PubMed 9195222; PubMed 10752524; PubMed 14514738; PubMed 24854265; PubMed 26809805.

NM_033380.3(COL4A5):c.439-2A>C

Gene: COL4A5 (collagen type IV alpha 5 chain; plus strand). Cytogenetic location: Xq22.3.
Variant type: single nucleotide variant.
Coding change: c.439-2A>C on transcript NM_033380.3 (MANE Select); the canonical splice acceptor site of the intron before coding-DNA position 439, A replaced by C.
Molecular consequence: splice acceptor variant.
Genome position (GRCh38, 1-based): chrX:108,571,809, A>C. VCF-style: chrX-108571809-A-C. GRCh37 (hg19) VCF-style: chrX-107815039-A-C.
Other names: c.439-2A>C (NM_000495.5).
Identifiers: ClinVar variation 4713967 (VCV004713967.1).